The following is an entry in ClinVar:

NM_001374385.1(ATP8B1):c.676G>A (p.Val226Met)

Gene: ATP8B1 (ATPase phospholipid transporting 8B1; minus strand). Cytogenetic location: 18q21.31.
Variant type: single nucleotide variant.
Coding change: c.676G>A on transcript NM_001374385.1 (MANE Select); coding-DNA position 676, G replaced by A.
Protein change: p.Val226Met; replaces valine 226 with methionine.
Molecular consequence: missense variant.
Genome position (GRCh38, 1-based): chr18:57,697,640, C>T on the plus strand (G>A on the coding strand, the complement: ATP8B1 is on the minus strand). VCF-style: chr18-57697640-C-T. GRCh37 (hg19) VCF-style: chr18-55364872-C-T.
Other names: c.526G>A, p.Val176Met (NM_001374386.1); c.676G>A, p.Val226Met (NM_005603.6); short protein forms V176M, V226M.
Identifiers: ClinVar variation 888988 (VCV000888988.6), dbSNP rs1449849281, ClinGen allele CA402544711.

ClinVar aggregate classification (germline): Uncertain significance. Review status: criteria provided, multiple submitters, no conflicts (2 of 4 stars). 3 submissions from 3 submitters: Uncertain significance (3). Last evaluated 2026-04-14.

Conditions:
Familial intrahepatic cholestasis. Identifiers: Orphanet 284385, MedGen CN296401, MONDO:0017290.
ATP8B1-related disorder. Also called: ATP8B1-related condition; ATP8B1-related disorders.
Progressive familial intrahepatic cholestasis type 1. Also called: Byler's disease; BYLER DISEASE; Severe ATP8B1 Deficiency (Progressive Familial Intrahepatic Cholestasis Type 1 [PFIC1]). Identifiers: Orphanet 79306, MedGen C4551898, MONDO:0008892, OMIM 211600.

Allele frequency attached by ClinVar (database versions not stated): gnomAD exomes below 0.00001; TOPMed below 0.00001.
gnomAD v4.1: 7 of 1,613,948 alleles (0.00043%); highest among the groups gnomAD compares: South Asian, 0.0077%; no homozygotes.

Submissions (3):

Genomenon, Inc
Classification: Uncertain significance for Familial intrahepatic cholestasis. Last evaluated: 2026-04-14. Review status: criteria provided, single submitter. Criteria: Genomenon Sequence Variant Interpretation Standards - Updated. Collection method: curation. Allele origin: germline. Affected: no.
Comment: ATP8B1 p.Val226Met (c.676G>A) is a missense variant that changes the amino acid at residue 226 from Valine to Methionine. This variant has been reported in the published literature (PMID:37208429). It is absent or not present at a significant frequency in gnomAD. In silico models predict that this variant is possibly or probably damaging. In conclusion, we classify ATP8B1 p.Val226Met (c.676G>A) as a variant of uncertain significance.

PreventionGenetics, part of Exact Sciences
Classification: Uncertain significance for ATP8B1-related condition. Last evaluated: 2025-10-27. Review status: criteria provided, single submitter. Criteria: ACMG Guidelines, 2015. Collection method: clinical testing. Allele origin: germline.
Comment: The ATP8B1 c.676G>A variant is predicted to result in the amino acid substitution p.Val226Met. To our knowledge, this variant has not been reported in the literature. This variant is reported in 0.0097% of alleles in individuals of Ashkenazi Jewish descent in gnomAD. At this time, the clinical significance of this variant is uncertain due to the absence of conclusive functional and genetic evidence.

Illumina Laboratory Services, Illumina
Classification: Uncertain significance for Progressive familial intrahepatic cholestasis type 1. Last evaluated: 2018-01-13. Review status: criteria provided, single submitter. Criteria: ICSL Variant Classification Criteria 13 December 2019. Collection method: clinical testing. Allele origin: germline.

Literature cited by the submitters: PubMed 37208429 (cited by Genomenon, Inc).